The following is an entry in ClinVar:

ClinVar aggregate classification (germline): Conflicting classifications of pathogenicity. Review status: criteria provided, conflicting classifications (1 of 4 stars). 3 submissions from 3 submitters: Uncertain significance (1); Likely benign (2). Last evaluated 2025-08-13.

Conditions:
Catecholaminergic polymorphic ventricular tachycardia (CVPT). Also called: Catecholamine-induced polymorphic ventricular tachycardia. Identifiers: Orphanet 3286, MedGen C5574922, MONDO:0017990.
Cardiomyopathy (CMYO). Also called: Cardiomyopathies. Identifiers: Orphanet 167848, MedGen C0878544, MONDO:0004994, HP:0001638. Inheritance: Various modes of inheritance.
Cardiovascular phenotype. Identifiers: MedGen CN230736.

Allele frequency attached by ClinVar (database versions not stated): gnomAD exomes 0.00002.
gnomAD v4.1: 33 of 1,613,048 alleles (0.002%); highest among the groups gnomAD compares: Non-Finnish European, 0.0028%; no homozygotes.

Submissions (3):

Ambry Genetics
Classification: Uncertain significance for Cardiovascular phenotype. Last evaluated: 2025-08-13. Review status: criteria provided, single submitter. Criteria: Ambry Variant Classification Scheme 2023. Collection method: clinical testing. Allele origin: germline.
Comment: The c.677-3C>T intronic variant results from a C to T substitution 3 nucleotides upstream from coding exon 10 in the RYR2 gene. This nucleotide position is not well conserved in available vertebrate species. In silico splice site analysis for this alteration is inconclusive. Based on the available evidence, the clinical significance of this variant remains unclear.

All of Us Research Program, National Institutes of Health
Classification: Likely benign for Catecholaminergic polymorphic ventricular tachycardia. Last evaluated: 2024-05-14. Review status: criteria provided, single submitter. Criteria: ACMG Guidelines, 2015. Collection method: clinical testing. Allele origin: germline. Inheritance: Autosomal dominant inheritance. Observed: 1 variant allele, 1 heterozygote.
Comment: This study involves interpretation of variants in research participants for the purpose of population health screening. Participant phenotype was not available at the time of variant classification. Additional details can be found in publication PMID: 35346344, PMCID: PMC8962531

Color Diagnostics, LLC DBA Color Health
Classification: Likely benign for Cardiomyopathy. Last evaluated: 2022-11-01. Review status: criteria provided, single submitter. Criteria: ACMG Guidelines, 2015. Collection method: clinical testing. Allele origin: germline.

NM_001035.3(RYR2):c.677-3C>T

Gene: RYR2 (ryanodine receptor 2; plus strand). Cytogenetic location: 1q43.
Variant type: single nucleotide variant.
Coding change: c.677-3C>T on transcript NM_001035.3 (MANE Select); 3 bases into the intron before coding-DNA position 677, C replaced by T.
Molecular consequence: intron variant.
Genome position (GRCh38, 1-based): chr1:237,388,084, C>T. VCF-style: chr1-237388084-C-T. GRCh37 (hg19) VCF-style: chr1-237551384-C-T.
Other names: c.677-3C>T (NM_001035.2).
Identifiers: ClinVar variation 2774239 (VCV002774239.4), dbSNP rs1414881033, ClinGen allele CA529531695.